The following is an entry in ClinVar:

ClinVar aggregate classification (germline): Uncertain significance (1 of 4 stars; one submission).

Submission:

Ambry Genetics
Classification: Uncertain significance. Last evaluated: 2024-10-15. Review status: criteria provided, single submitter. Criteria: Ambry Variant Classification Scheme 2023. Collection method: clinical testing. Allele origin: germline.
Comment: The p.K102E variant (also known as c.304A>G), located in coding exon 2 of the MNDA gene, results from an A to G substitution at nucleotide position 304. The lysine at codon 102 is replaced by glutamic acid, an amino acid with similar properties. This amino acid position is conserved. In addition, this alteration is predicted to be tolerated by in silico analysis. Since supporting evidence is limited at this time, the clinical significance of this alteration remains unclear.

NM_002432.3(MNDA):c.304A>G (p.Lys102Glu)

Gene: MNDA (myeloid cell nuclear differentiation antigen; plus strand). Cytogenetic location: 1q23.1.
Variant type: single nucleotide variant.
Coding change: c.304A>G on transcript NM_002432.3 (MANE Select); coding-DNA position 304, A replaced by G.
Protein change: p.Lys102Glu; replaces lysine 102 with glutamic acid.
Molecular consequence: missense variant.
Genome position (GRCh38, 1-based): chr1:158,843,317, A>G. VCF-style: chr1-158843317-A-G. GRCh37 (hg19) VCF-style: chr1-158813107-A-G.
Other names: short protein forms K102E.
Identifiers: ClinVar variation 1799230 (VCV001799230.3), dbSNP rs2526079078, ClinGen allele CA343038568.